The following is an entry in ClinVar:

NM_012243.3(SLC35A3):c.452T>A (p.Val151Asp)

Gene: SLC35A3 (solute carrier family 35 member A3; plus strand). Cytogenetic location: 1p21.2.
Variant type: single nucleotide variant.
Coding change: c.452T>A on transcript NM_012243.3 (MANE Select); coding-DNA position 452, T replaced by A.
Protein change: p.Val151Asp; replaces valine 151 with aspartic acid.
Molecular consequence: missense variant.
Genome position (GRCh38, 1-based): chr1:100,007,143, T>A. VCF-style: chr1-100007143-T-A. GRCh37 (hg19) VCF-style: chr1-100472699-T-A.
Other names: c.452T>A, p.Val151Asp (NM_001271684.2); c.578T>A, p.Val193Asp (NM_001271685.2); short protein forms V151D, V193D.
Identifiers: ClinVar variation 565476 (VCV000565476.3), dbSNP rs1415934934, ClinGen allele CA341330208.
Genomic context (GRCh38, chr1:100,007,143, plus strand): 5'-TGCTTAGTAAAAAATTGGGTGTATACCAGTGGCTGTCCCTAGTAATTTTGATGACAGGAG[T>A]TGCTTTTGTACAGGTAACTATTCAAGATAAGTATATATTTTTATCTTTATTGTGGTTTCA-3'
Protein context (NP_036375.1, residues 141-161): WLSLVILMTG[Val151Asp]AFVQWPSDSQ

ClinVar aggregate classification (germline): Uncertain significance (1 of 4 stars; one submission).

Conditions:
Autism spectrum disorder - epilepsy - arthrogryposis syndrome (AMRS). Identifiers: Orphanet 370943, MedGen C3809910, MONDO:0014248, OMIM 615553.

Allele frequency attached by ClinVar (database versions not stated): gnomAD exomes below 0.00001; gnomAD 0.00001; TOPMed 0.00001.
gnomAD v4.1: 5 of 1,609,924 alleles (0.00031%); highest among the groups gnomAD compares: Non-Finnish European, 0.00034%; no homozygotes.

Submission:

Labcorp Genetics (formerly Invitae), Labcorp
Classification: Uncertain significance for Autism spectrum disorder - epilepsy - arthrogryposis syndrome. Last evaluated: 2022-08-31. Review status: criteria provided, single submitter. Criteria: Invitae Variant Classification Sherloc (09022015). Collection method: clinical testing. Allele origin: germline.
Comment: This sequence change replaces valine, which is neutral and non-polar, with aspartic acid, which is acidic and polar, at codon 151 of the SLC35A3 protein (p.Val151Asp). This variant is not present in population databases (gnomAD no frequency). This variant has not been reported in the literature in individuals affected with SLC35A3-related conditions. ClinVar contains an entry for this variant (Variation ID: 565476). Algorithms developed to predict the effect of missense changes on protein structure and function are either unavailable or do not agree on the potential impact of this missense change (SIFT: "Deleterious"; PolyPhen-2: "Probably Damaging"; Align-GVGD: "Class C15"). In summary, the available evidence is currently insufficient to determine the role of this variant in disease. Therefore, it has been classified as a Variant of Uncertain Significance.